The following is an entry in ClinVar:

ClinVar aggregate classification (germline): Likely benign (1 of 4 stars; one submission).

gnomAD v4.1: 7 of 1,614,176 alleles (0.00043%); highest among the groups gnomAD compares: Admixed American, 0.012%; no homozygotes.

Submission:

CeGaT Center for Human Genetics Tuebingen
Classification: Likely benign. Last evaluated: 2026-05-01. Review status: criteria provided, single submitter. Criteria: CeGaT Center For Human Genetics Tuebingen Variant Classification Criteria Version 2. Collection method: clinical testing. Allele origin: germline. Affected: yes. Observed: 1 variant allele.
Comment: TUFM: BP4, BP7

NM_003321.5(TUFM):c.1113G>A (p.Lys371=)

Gene: TUFM (Tu translation elongation factor, mitochondrial; minus strand). Cytogenetic location: 16p11.2.
Variant type: single nucleotide variant.
Coding change: c.1113G>A on transcript NM_003321.5 (MANE Select); coding-DNA position 1113, G replaced by A.
Protein change: p.Lys371=; no amino-acid change (lysine 371 retained).
Molecular consequence: synonymous variant.
Genome position (GRCh38, 1-based): chr16:28,843,817, C>T on the plus strand (G>A on the coding strand, the complement: TUFM is on the minus strand). VCF-style: chr16-28843817-C-T. GRCh37 (hg19) VCF-style: chr16-28855138-C-T.
Other names: c.1029G>A, p.Lys343= (NM_001365360.2).
Identifiers: ClinVar variation 4875089 (VCV004875089.2).